The following is an entry in ClinVar:

ClinVar aggregate classification (germline): Likely benign. Review status: criteria provided, multiple submitters, no conflicts (2 of 4 stars). 2 submissions from 2 submitters: Likely benign (2). Last evaluated 2025-10-01.

Allele frequency attached by ClinVar (database versions not stated): ExAC 0.00005; TOPMed 0.00006; gnomAD 0.00007; gnomAD exomes 0.00011.
gnomAD v4.1: 179 of 1,613,992 alleles (0.011%); highest among the groups gnomAD compares: Middle Eastern, 0.016%; no homozygotes.

Submissions (2):

CeGaT Center for Human Genetics Tuebingen
Classification: Likely benign. Last evaluated: 2025-10-01. Review status: criteria provided, single submitter. Criteria: CeGaT Center For Human Genetics Tuebingen Variant Classification Criteria Version 2. Collection method: clinical testing. Allele origin: germline. Affected: yes. Observed: 2 variant alleles.
Comment: CARS1: BP4, BP7

Blueprint Genetics
Classification: Likely benign. Last evaluated: 2024-05-31. Review status: criteria provided, single submitter. Criteria: ACMG Guidelines, 2015. Collection method: clinical testing. Allele origin: germline.

NM_001014437.3(CARS1):c.891G>A (p.Lys297=)

Gene: CARS1 (cysteinyl-tRNA synthetase 1; minus strand). Cytogenetic location: 11p15.4.
Variant type: single nucleotide variant.
Coding change: c.891G>A on transcript NM_001014437.3 (MANE Select); coding-DNA position 891, G replaced by A.
Protein change: p.Lys297=; no amino-acid change (lysine 297 retained).
Molecular consequence: synonymous variant. On other transcripts: non-coding transcript variant (4).
Genome position (GRCh38, 1-based): chr11:3,029,354, C>T on the plus strand (G>A on the coding strand, the complement: CARS1 is on the minus strand). VCF-style: chr11-3029354-C-T. GRCh37 (hg19) VCF-style: chr11-3050584-C-T.
Other names: c.891G>A, p.Lys297= (NM_001194997.2); c.681G>A, p.Lys227= (NM_001378136.1); c.612G>A, p.Lys204= (NM_001378137.1, NM_001378138.1, NM_001378139.1); c.366G>A, p.Lys122= (NM_001378140.1); c.642G>A, p.Lys214= (NM_001751.6, NM_139273.4).
Identifiers: ClinVar variation 2641513 (VCV002641513.25), dbSNP rs759088637, ClinGen allele CA5824221.